The following is an entry in ClinVar:

NM_001114753.3(ENG):c.1319T>G (p.Val440Gly)

Genes: ENG (endoglin; minus strand), LOC102723566 (uncharacterized LOC102723566; plus strand). Cytogenetic location: 9q34.11.
Variant type: single nucleotide variant.
Coding change: c.1319T>G on transcript NM_001114753.3 (MANE Select); coding-DNA position 1319, T replaced by G.
Protein change: p.Val440Gly; replaces valine 440 with glycine.
Molecular consequence: missense variant.
Genome position (GRCh38, 1-based): chr9:127,818,825, A>C on the plus strand (T>G on the coding strand, the complement: ENG is on the minus strand). VCF-style: chr9-127818825-A-C. GRCh37 (hg19) VCF-style: chr9-130581104-A-C.
Other names: p.Val440Gly; NM_001114753.3(ENG):c.1319T>G; c.1319T>G (NM_000118.2); c.1319T>G, p.Val440Gly (NM_000118.4); c.773T>G, p.Val258Gly (NM_001278138.2); short protein forms V440G, V258G.
Identifiers: ClinVar variation 528065 (VCV000528065.22), dbSNP rs1554809363, ClinGen allele CA374977914.

ClinVar aggregate classification (germline): Likely pathogenic. Review status: reviewed by expert panel (3 of 4 stars). 6 submissions from 6 submitters: Likely pathogenic (1). 5 of the submissions do not count toward it. Last evaluated 2024-11-12.

Conditions:
Telangiectasia, hereditary hemorrhagic, type 1 (HHT1). Also called: Osler Weber Rendu syndrome type 1; ENG-Related Hereditary Hemorrhagic Telangiectasia. Identifiers: Orphanet 774, MedGen C4551861, MONDO:0008535, OMIM 187300. Disease mechanism: loss of function.
Hereditary hemorrhagic telangiectasia (HHT). Also called: Osler hemorrhagic telangiectasia syndrome; ORW DISEASE; Osler Weber Rendu syndrome; OSLER-RENDU-WEBER DISEASE. Identifiers: Orphanet 774, MedGen C0039445, MONDO:0019180. Disease mechanism: loss of function.
Cardiovascular phenotype. Identifiers: MedGen CN230736.

Submissions (6):

ClinGen Hereditary Hemorrhagic Telangiectasia Variant Curation Expert Panel, ClinGen
Classification: Likely pathogenic for Telangiectasia, hereditary hemorrhagic, type 1. Last evaluated: 2024-11-12. Review status: reviewed by expert panel. Criteria: ClinGen HHT ACMG Specifications ENG V1.1.0. Collection method: curation. Allele origin: germline. Inheritance: Autosomal dominant inheritance.
Comment: The NM_001114753.3: c.1319T>G variant in ENG is a missense variant predicted to cause substitution of valine by glycine at amino acid 440 (p.Val440Gly). This variant has been reported in more than 2 probands with a phenotype consistent with HHT (PS4_Moderate; Internal lab contributors). At least one patient's phenotype meets Curacao Criteria for HHT, and sequencing and large deletion/duplication analysis was performed for ENG and ACVRL1, which is highly specific for HHT (PP4_Moderate; Internal lab contributors). The variant has been reported to segregate with Hereditary Hemorrhagic Telangiectasia in 5 affected meioses from 1 family (PP1_Strong; Internal lab contributors). This variant is absent from gnomAD v.2.1.1 (PM2_Supporting). The computational predictor REVEL gives a score of 0.385, which is neither above nor below the thresholds predicting a damaging or benign impact on ENG function. In summary, this variant meets the criteria to be classified as likely pathogenic for autosomal dominant hereditary hemorrhagic telangiectasia based on the ACMG/AMP criteria applied, as specified by the ClinGen Hereditary Hemorrhagic Telangiectasia Variant Curation Expert Panel: PP1_Strong, PS4_Moderate, PP4_Moderate, PM2_Supporting (specifications version 1.1.0; 11/12/2024).

Labcorp Genetics (formerly Invitae), Labcorp
Classification: Pathogenic for Hereditary hemorrhagic telangiectasia. Last evaluated: 2025-12-06. Review status: criteria provided, single submitter. Criteria: Invitae Variant Classification Sherloc (09022015). Collection method: clinical testing. Allele origin: germline. Not counted in ClinVar's aggregate classification.
Comment: This sequence change replaces valine, which is neutral and non-polar, with glycine, which is neutral and non-polar, at codon 440 of the ENG protein (p.Val440Gly). This variant is not present in population databases (gnomAD no frequency). This missense change has been observed in individuals with hereditary hemorrhagic telangiectasia (internal data). It has also been observed to segregate with disease in related individuals. ClinVar contains an entry for this variant (Variation ID: 528065). Invitae Evidence Modeling of protein sequence and biophysical properties (such as structural, functional, and spatial information, amino acid conservation, physicochemical variation, residue mobility, and thermodynamic stability) has been performed for this missense variant. However, the output from this modeling did not meet the statistical confidence thresholds required to predict the impact of this variant on ENG protein function. This variant disrupts the p.Val440 amino acid residue in ENG. Other variant(s) that disrupt this residue have been observed in individuals with ENG-related conditions (PMID: 34872578; internal data), which suggests that this may be a clinically significant amino acid residue. For these reasons, this variant has been classified as Pathogenic.

ARUP Laboratories, Molecular Genetics and Genomics, ARUP Laboratories
Classification: Likely pathogenic for Telangiectasia, hereditary hemorrhagic, type 1. Last evaluated: 2025-05-06. Review status: criteria provided, single submitter. Criteria: ARUP Molecular Germline Variant Investigation Process 2024. Collection method: clinical testing. Allele origin: germline. Not counted in ClinVar's aggregate classification.
Comment: The ENG c.1319T>G; p.Val440Gly variant (rs1554809363, ClinVar Variation ID: 528065) is reported in two individuals affected with hereditary hemorrhagic telangiectasia, and reported to segregate with hereditary hemorrhagic telangiectasia in one pedigree (internal lab communication). This variant is absent from the Genome Aggregation Database (v2.1.1), indicating it is not a common polymorphism. Computational analyses are uncertain whether this variant is neutral or deleterious (REVEL: 0.385). Based on available information, this variant is considered to be likely pathogenic.

GeneDx
Classification: Uncertain significance. Last evaluated: 2023-06-05. Review status: criteria provided, single submitter. Criteria: GeneDx Variant Classification Process June 2021. Collection method: clinical testing. Allele origin: germline. Affected: yes. Not counted in ClinVar's aggregate classification.
Comment: Has not been previously published as pathogenic or benign to our knowledge; Not observed at significant frequency in large population cohorts (gnomAD); In silico analysis supports that this missense variant has a deleterious effect on protein structure/function

Ambry Genetics
Classification: Likely pathogenic for Cardiovascular phenotype. Last evaluated: 2023-05-22. Review status: criteria provided, single submitter. Criteria: Ambry Variant Classification Scheme 2023. Collection method: clinical testing. Allele origin: germline. Not counted in ClinVar's aggregate classification.
Comment: The p.V440G variant (also known as c.1319T>G), located in coding exon 11 of the ENG gene, results from a T to G substitution at nucleotide position 1319. The valine at codon 440 is replaced by glycine, an amino acid with dissimilar properties. This alteration has been reported in individuals with hereditary hemorrhagic telangiectasia (HHT) (Ambry internal data). This variant is considered to be rare based on population cohorts in the Genome Aggregation Database (gnomAD). This amino acid position is well conserved in available vertebrate species. In addition, the in silico prediction for this alteration is inconclusive. Based on the majority of available evidence to date, this variant is likely to be pathogenic.

Mayo Clinic Laboratories, Mayo Clinic
Classification: Uncertain significance. Last evaluated: 2022-12-07. Review status: criteria provided, single submitter. Criteria: ACMG Guidelines, 2015. Collection method: clinical testing. Allele origin: germline. Observed: 1 variant allele. Not counted in ClinVar's aggregate classification.
Comment: PM2_supporting

Literature cited by the submitters: PubMed 34872578 (cited by Labcorp Genetics (formerly Invitae), Labcorp and Mayo Clinic Laboratories, Mayo Clinic).